The following is an entry in ClinVar:

NM_000198.4(HSD3B2):c.574dup (p.Glu192fs)

Gene: HSD3B2 (hydroxy-delta-5-steroid dehydrogenase, 3 beta- and steroid delta-isomerase 2; plus strand). Cytogenetic location: 1p12.
Variant type: Duplication.
Coding change: c.574dup on transcript NM_000198.4 (MANE Select); coding-DNA position 574, one base duplicated (G; older notation c.574dupG).
Protein change: p.Glu192fs; shifts the reading frame from glutamic acid 192.
Molecular consequence: frameshift variant.
Genome position (GRCh38, 1-based): chr1:119,422,075, G duplicated; the last of 4 consecutive G bases (chr1:119,422,072-119,422,075); duplicating any one gives the same sequence. VCF-style (leftmost placement, unchanged base first): chr1-119422071-T-TG. GRCh37 (hg19) VCF-style: chr1-119964694-T-TG.
Other names: c.574dup, p.Glu192fs (NM_001166120.2); short protein forms E192fs.
Identifiers: ClinVar variation 2836644 (VCV002836644.3), dbSNP rs2526392189, ClinGen allele CA2739275223.

ClinVar aggregate classification (germline): Pathogenic (1 of 4 stars; one submission).

Submission:

Labcorp Genetics (formerly Invitae), Labcorp
Classification: Pathogenic. Last evaluated: 2023-02-21. Review status: criteria provided, single submitter. Criteria: Invitae Variant Classification Sherloc (09022015). Collection method: clinical testing. Allele origin: germline.
Comment: For these reasons, this variant has been classified as Pathogenic. This variant disrupts a region of the HSD3B2 protein in which other variant(s) (p.Arg335*) have been determined to be pathogenic (PMID: 18252794, 31006099). This suggests that this is a clinically significant region of the protein, and that variants that disrupt it are likely to be disease-causing. This variant disrupts the C-terminus of the HSD3B2 protein, which has been demonstrated to be critical for enzymatic activity (PMID: 1825279). While functional studies have not been performed to directly test the effect of this variant on HSD3B2 protein function, this suggests that disruption of this region of the protein is causative of disease. This variant has not been reported in the literature in individuals affected with HSD3B2-related conditions. This variant is not present in population databases (gnomAD no frequency). This sequence change creates a premature translational stop signal (p.Glu192Glyfs*12) in the HSD3B2 gene. While this is not anticipated to result in nonsense mediated decay, it is expected to disrupt the last 181 amino acid(s) of the HSD3B2 protein.

Literature cited by the submitters: PubMed 18252794; PubMed 31006099; PubMed 1825279.